The following is an entry in ClinVar:

ClinVar aggregate classification (germline): Uncertain significance (1 of 4 stars; one submission).

Submission:

Greenwood Genetic Center Diagnostic Laboratories, Greenwood Genetic Center
Classification: Uncertain significance. Last evaluated: 2023-03-30. Review status: criteria provided, single submitter. Criteria: ACMG Guidelines, 2015. Collection method: clinical testing. Allele origin: germline. Affected: yes.
Comment: PM2, PM6

NM_002539.3(ODC1):c.1324G>A (p.Ala442Thr)

Gene: ODC1 (ornithine decarboxylase 1; minus strand). Cytogenetic location: 2p25.1.
Variant type: single nucleotide variant.
Coding change: c.1324G>A on transcript NM_002539.3 (MANE Select); coding-DNA position 1324, G replaced by A.
Protein change: p.Ala442Thr; replaces alanine 442 with threonine.
Molecular consequence: missense variant.
Genome position (GRCh38, 1-based): chr2:10,440,786, C>T on the plus strand (G>A on the coding strand, the complement: ODC1 is on the minus strand). VCF-style: chr2-10440786-C-T. GRCh37 (hg19) VCF-style: chr2-10580912-C-T.
Other names: c.937G>A, p.Ala313Thr (NM_001287188.2); c.1324G>A, p.Ala442Thr (NM_001287189.2, NM_001287190.2); short protein forms A313T, A442T.
Identifiers: ClinVar variation 2505223 (VCV002505223.1), dbSNP rs2528559535, ClinGen allele CA345812913.